The following is an entry in ClinVar:

ClinVar aggregate classification (germline): Uncertain significance (1 of 4 stars; one submission).

Allele frequency attached by ClinVar (database versions not stated): gnomAD exomes below 0.00001; gnomAD 0.00001; TOPMed 0.00001.
gnomAD v4.1: 3 of 1,612,984 alleles (0.00019%); highest among the groups gnomAD compares: Admixed American, 0.0033%; no homozygotes.

Submission:

Labcorp Genetics (formerly Invitae), Labcorp
Classification: Uncertain significance. Last evaluated: 2022-06-27. Review status: criteria provided, single submitter. Criteria: Invitae Variant Classification Sherloc (09022015). Collection method: clinical testing. Allele origin: germline.
Comment: In summary, the available evidence is currently insufficient to determine the role of this variant in disease. Therefore, it has been classified as a Variant of Uncertain Significance. Algorithms developed to predict the effect of missense changes on protein structure and function are either unavailable or do not agree on the potential impact of this missense change (SIFT: "Not Available"; PolyPhen-2: "Benign"; Align-GVGD: "Not Available"). This variant has not been reported in the literature in individuals affected with UNC45A-related conditions. This variant is not present in population databases (gnomAD no frequency). This sequence change replaces serine, which is neutral and polar, with asparagine, which is neutral and polar, at codon 235 of the UNC45A protein (p.Ser235Asn).

NM_018671.5(UNC45A):c.704G>A (p.Ser235Asn)

Gene: UNC45A (unc-45 myosin chaperone A; plus strand). Cytogenetic location: 15q26.1.
Variant type: single nucleotide variant.
Coding change: c.704G>A on transcript NM_018671.5 (MANE Select); coding-DNA position 704, G replaced by A.
Protein change: p.Ser235Asn; replaces serine 235 with asparagine.
Molecular consequence: missense variant.
Genome position (GRCh38, 1-based): chr15:90,942,453, G>A. VCF-style: chr15-90942453-G-A. GRCh37 (hg19) VCF-style: chr15-91485683-G-A.
Other names: c.659G>A, p.Ser220Asn (NM_001039675.2, NM_001323621.2); c.704G>A, p.Ser235Asn (NM_001323619.1); c.269G>A, p.Ser90Asn (NM_001323620.2); short protein forms S220N, S90N, S235N.
Identifiers: ClinVar variation 1433579 (VCV001433579.6), dbSNP rs1417445359, ClinGen allele CA393852105.
Genomic context (GRCh38, chr15:90,942,453, plus strand): 5'-TTCAACAACTGGAAGCTTCCTTCTGTTTACCTCTCCCACCCCAGACAGTGGCAACCCTGA[G>A]CATACTGGGAACTCGGCGAGTAGTCTCCATCCTGGGCGTGGAAAGCCAGGCTGTGTCCCT-3'
Protein context (NP_061141.2, residues 225-245): EHQSRTVATL[Ser235Asn]ILGTRRVVSI